The following is an entry in ClinVar:

NM_000540.3(RYR1):c.7712G>C (p.Gly2571Ala)

Gene: RYR1 (ryanodine receptor 1; plus strand). Cytogenetic location: 19q13.2.
Variant type: single nucleotide variant.
Coding change: c.7712G>C on transcript NM_000540.3 (MANE Select); coding-DNA position 7712, G replaced by C.
Protein change: p.Gly2571Ala; replaces glycine 2571 with alanine.
Molecular consequence: missense variant.
Genome position (GRCh38, 1-based): chr19:38,502,604, G>C. VCF-style: chr19-38502604-G-C. GRCh37 (hg19) VCF-style: chr19-38993244-G-C.
Other names: c.7712G>C, p.Gly2571Ala (NM_001042723.2); short protein forms G2571A.
Identifiers: ClinVar variation 2435580 (VCV002435580.6), dbSNP rs777293791, ClinGen allele CA070039.

ClinVar aggregate classification (germline): Uncertain significance. Review status: criteria provided, multiple submitters, no conflicts (2 of 4 stars). 4 submissions from 4 submitters: Uncertain significance (4). Last evaluated 2025-08-22.

Conditions:
Inborn genetic diseases. Identifiers: MedGen C0950123, MeSH D030342.
Malignant hyperthermia, susceptibility to, 1 (MHS1). Also called: Anesthesia related hyperthermia; Malignant hyperpyrexia; Fulminating hyperpyrexia; Pharmacogenic myopathy; Malignant hyperthermia suceptibility 1; RYR1-Related Malignant Hyperthermia Susceptibility. Identifiers: Orphanet 423, MedGen C2930980, MONDO:0007783, OMIM 145600.

Allele frequency attached by ClinVar (database versions not stated): gnomAD 0.00001; TOPMed 0.00002.
gnomAD v4.1: 29 of 1,612,772 alleles (0.0018%); highest among the groups gnomAD compares: African/African-American, 0.004%; no homozygotes.

Submissions (4):

Color Diagnostics, LLC DBA Color Health
Classification: Uncertain significance for Malignant hyperthermia, susceptibility to, 1. Last evaluated: 2025-08-22. Review status: criteria provided, single submitter. Criteria: ACMG Guidelines, 2015. Collection method: clinical testing. Allele origin: germline.
Comment: This missense variant replaces glycine with alanine at codon 2571 of the RYR1 protein. Computational prediction is inconclusive regarding the impact of this variant on protein structure and function. To our knowledge, functional studies have not been reported for this variant. This variant has not been reported in individuals affected with RYR1-related disorders in the literature. This variant has been identified in 2/250318 chromosomes in the general population by the Genome Aggregation Database (gnomAD). The available evidence is insufficient to determine the role of this variant in disease conclusively. Therefore, this variant is classified as a Variant of Uncertain Significance.

Ambry Genetics
Classification: Uncertain significance for Inborn genetic diseases. Last evaluated: 2025-08-20. Review status: criteria provided, single submitter. Criteria: Ambry Variant Classification Scheme 2023. Collection method: clinical testing. Allele origin: germline.

All of Us Research Program, National Institutes of Health
Classification: Uncertain significance for Malignant hyperthermia, susceptibility to, 1. Last evaluated: 2024-01-11. Review status: criteria provided, single submitter. Criteria: ACMG Guidelines, 2015. Collection method: clinical testing. Allele origin: germline. Inheritance: Autosomal dominant inheritance. Observed: 2 variant alleles, 2 heterozygotes.
Comment: This missense variant replaces glycine with alanine at codon 2571 of the RYR1 protein. Computational prediction is inconclusive regarding the impact of this variant on protein structure and function (internally defined REVEL score threshold 0.5 < inconclusive < 0.7, PMID: 27666373). To our knowledge, functional studies have not been reported for this variant. This variant has not been reported in individuals affected with RYR1-related disorders in the literature. This variant has been identified in 2/250318 chromosomes in the general population by the Genome Aggregation Database (gnomAD). The available evidence is insufficient to determine the role of this variant in disease conclusively. Therefore, this variant is classified as a Variant of Uncertain Significance.

This study involves interpretation of variants in research participants for the purpose of population health screening. Participant phenotype was not available at the time of variant classification. Additional details can be found in publication PMID: 35346344, PMCID: PMC8962531

Revvity Omics, Revvity
Classification: Uncertain significance. Last evaluated: 2022-12-16. Review status: criteria provided, single submitter. Criteria: ACMG Guidelines, 2015. Collection method: clinical testing. Allele origin: germline.